The following is an entry in ClinVar:

ClinVar aggregate classification (germline): Uncertain significance. Review status: criteria provided, multiple submitters, no conflicts (2 of 4 stars). 7 submissions from 7 submitters: Uncertain significance (5). 2 of the submissions do not count toward it. Last evaluated 2024-12-26.

Conditions:
Retinal dystrophy. Also called: Inherited retinal dystrophy. Identifiers: Orphanet 71862, MedGen C0854723, MeSH D058499, MONDO:0019118, HP:0000556.
Usher syndrome type 2A. Also called: RETINAL DISEASE IN USHER SYNDROME TYPE IIA, MODIFIER OF; USHER SYNDROME, TYPE IIA. Identifiers: Orphanet 231178, Orphanet 886, MedGen C1848634, MONDO:0010169, OMIM 276901.
USH2A-related disorder. Also called: USH2A-related disorders; USH2A-related condition. Identifiers: MedGen CN239332.

Allele frequency attached by ClinVar (database versions not stated): gnomAD exomes 0.00003; TOPMed 0.00011; ESP Exome Variant Server 0.00008; ExAC 0.00002; gnomAD 0.00009 and 0.00011; 1000 Genomes Project 30x 0.00031; 1000 Genomes Project 0.00040.
gnomAD v4.1: 37 of 1,613,864 alleles (0.0023%); highest among the groups gnomAD compares: African/African-American, 0.031%; no homozygotes.

Submissions (7):

Laboratory of Prof. Karen Avraham, Tel Aviv University
Classification: Uncertain significance for Usher syndrome type 2A. Last evaluated: 2024-12-26. Review status: criteria provided, single submitter. Criteria: ACMG Guidelines, 2015. Collection method: research. Allele origin: germline. Affected: yes. Observed: 1 variant allele.
Comment: The c.5890C>T:p.(Arg1964Cys) variant is very rare and possibly deleterious.

Labcorp Genetics (formerly Invitae), Labcorp
Classification: Uncertain significance. Last evaluated: 2024-09-06. Review status: criteria provided, single submitter. Criteria: Invitae Variant Classification Sherloc (09022015). Collection method: clinical testing. Allele origin: germline.
Comment: This sequence change replaces arginine, which is basic and polar, with cysteine, which is neutral and slightly polar, at codon 1964 of the USH2A protein (p.Arg1964Cys). This variant is present in population databases (rs148049006, gnomAD 0.04%). This variant has not been reported in the literature in individuals affected with USH2A-related conditions. ClinVar contains an entry for this variant (Variation ID: 972402). Invitae Evidence Modeling of protein sequence and biophysical properties (such as structural, functional, and spatial information, amino acid conservation, physicochemical variation, residue mobility, and thermodynamic stability) indicates that this missense variant is not expected to disrupt USH2A protein function with a negative predictive value of 95%. In summary, the available evidence is currently insufficient to determine the role of this variant in disease. Therefore, it has been classified as a Variant of Uncertain Significance.

Blueprint Genetics
Classification: Uncertain significance. Last evaluated: 2024-04-29. Review status: criteria provided, single submitter. Criteria: ACMG Guidelines, 2015. Collection method: clinical testing. Allele origin: germline.

GeneDx
Classification: Uncertain significance. Last evaluated: 2024-02-27. Review status: criteria provided, single submitter. Criteria: GeneDx Variant Classification Process June 2021. Collection method: clinical testing. Allele origin: germline. Affected: yes.
Comment: In silico analysis supports that this missense variant does not alter protein structure/function; Has not been previously published as pathogenic or benign to our knowledge; This variant is associated with the following publications: (PMID: 20440071)

Dept Of Ophthalmology, Nagoya University
Classification: Uncertain significance for Retinal dystrophy. Last evaluated: 2023-10-01. Review status: criteria provided, single submitter. Criteria: Submitter's publication. Collection method: research. Allele origin: germline. Affected: yes.

PreventionGenetics, part of Exact Sciences
Classification: Uncertain significance for USH2A-related condition. Last evaluated: 2024-09-17. Review status: no assertion criteria provided. Collection method: clinical testing. Allele origin: germline. Not counted in ClinVar's aggregate classification.
Comment: The USH2A c.5890C>T variant is predicted to result in the amino acid substitution p.Arg1964Cys. To our knowledge, this variant has not been reported in the literature. This variant is reported in 0.044% of alleles in individuals of African descent in gnomAD. At this time, the clinical significance of this variant is uncertain due to the absence of conclusive functional and genetic evidence.

Natera, Inc.
Classification: Uncertain significance for Usher syndrome type 2A. Last evaluated: 2020-01-17. Review status: no assertion criteria provided. Collection method: clinical testing. Allele origin: germline. Not counted in ClinVar's aggregate classification.

NM_206933.4(USH2A):c.5890C>T (p.Arg1964Cys)

Gene: USH2A (usherin; minus strand). Cytogenetic location: 1q41.
Variant type: single nucleotide variant.
Coding change: c.5890C>T on transcript NM_206933.4 (MANE Select); coding-DNA position 5890, C replaced by T.
Protein change: p.Arg1964Cys; replaces arginine 1964 with cysteine.
Molecular consequence: missense variant.
Genome position (GRCh38, 1-based): chr1:216,070,260, G>A on the plus strand (C>T on the coding strand, the complement: USH2A is on the minus strand). VCF-style: chr1-216070260-G-A. GRCh37 (hg19) VCF-style: chr1-216243602-G-A.
Other names: USH2A; c.5890C>T (NM_206933.3); short protein forms R1964C.
Identifiers: ClinVar variation 972402 (VCV000972402.10), dbSNP rs148049006, ClinGen allele CA1395302.